The following is an entry in ClinVar:

ClinVar aggregate classification (germline): Uncertain significance (1 of 4 stars; one submission).

Submission:

GeneDx
Classification: Uncertain significance. Last evaluated: 2019-10-22. Review status: criteria provided, single submitter. Criteria: GeneDx Variant Classification Process June 2021. Collection method: clinical testing. Allele origin: germline. Affected: yes.
Comment: In-frame deletion of 1 amino acids in a non-repeat region; Has not been previously published as pathogenic or benign to our knowledge

NM_014822.4(SEC24D):c.1983CAA[1] (p.Asn663del)

Gene: SEC24D (SEC24 homolog D, COPII coat complex component; minus strand). Cytogenetic location: 4q26.
Variant type: Microsatellite.
Coding change: c.1983CAA[1] on transcript NM_014822.4 (MANE Select); one copy of the 3-base unit CAA starting at c.1983; the reference has two copies in a row; one copy, 3 bases deleted.
Protein change: p.Asn663del; deletes asparagine 663.
Molecular consequence: inframe deletion.
Genome position (GRCh38, 1-based): chr4:118,743,995-118,743,997, TTG deleted on the plus strand (CAA on the coding strand, the reverse complement: SEC24D is on the minus strand); deleting any 3 consecutive bases within chr4:118,743,995-118,744,001 gives the same sequence; the position shown is the placement nearest the transcript's 3' end. VCF-style (leftmost placement, unchanged base first): chr4-118743994-ATTG-A. GRCh37 (hg19) VCF-style: chr4-119665149-ATTG-A.
Other names: c.1986CAA[1], p.Asn664del (NM_001318066.2); short protein forms N663del, N664del.
Identifiers: ClinVar variation 1309666 (VCV001309666.2), dbSNP rs780973383, ClinGen allele CA3057102.